The following is an entry in ClinVar:

ClinVar aggregate classification (germline): Likely benign. Review status: criteria provided, multiple submitters, no conflicts (2 of 4 stars). 2 submissions from 2 submitters: Likely benign (2). Last evaluated 2025-12-10.

Conditions:
Tuberous sclerosis 2 (TSC2). Identifiers: Orphanet 805, MedGen C1860707, MONDO:0013199, OMIM 613254.

Allele frequency attached by ClinVar (database versions not stated): gnomAD exomes below 0.00001; ExAC 0.00001; gnomAD 0.00001; TOPMed 0.00002.
gnomAD v4.1: 8 of 1,614,000 alleles (0.0005%); highest among the groups gnomAD compares: East Asian, 0.0089%; no homozygotes.

Submissions (2):

Labcorp Genetics (formerly Invitae), Labcorp
Classification: Likely benign for Tuberous sclerosis 2. Last evaluated: 2025-12-10. Review status: criteria provided, single submitter. Criteria: Invitae Variant Classification Sherloc (09022015). Collection method: clinical testing. Allele origin: germline.

Myriad Genetics, Inc.
Classification: Likely benign for Tuberous sclerosis 2. Last evaluated: 2025-05-02. Review status: criteria provided, single submitter. Criteria: Myriad Autosomal Dominant, Autosomal Recessive and X-Linked Classification Criteria (2023). Collection method: clinical testing. Allele origin: unknown.
Comment: This variant is considered likely benign. This variant is intronic and is not expected to impact mRNA splicing.

NM_000548.5(TSC2):c.337-16T>C

Gene: TSC2 (TSC complex subunit 2; plus strand). Cytogenetic location: 16p13.3.
Variant type: single nucleotide variant.
Coding change: c.337-16T>C on transcript NM_000548.5 (MANE Select); 16 bases into the intron before coding-DNA position 337, T replaced by C.
Molecular consequence: intron variant.
Genome position (GRCh38, 1-based): chr16:2,054,280, T>C. VCF-style: chr16-2054280-T-C. GRCh37 (hg19) VCF-style: chr16-2104281-T-C.
Other names: c.337-16T>C (NM_001114382.3, NM_021055.3, NM_001370405.1 and 3 more transcripts); c.226-16T>C (NM_001318827.2); c.-1-1916T>C (NM_001318831.2); c.190-16T>C (NM_001318829.2); c.370-16T>C (NM_001318832.2).
Identifiers: ClinVar variation 1993502 (VCV001993502.5), dbSNP rs771627218, ClinGen allele CA046235.